The following is an entry in ClinVar:

NM_014989.7(RIMS1):c.2545-4T>C

Gene: RIMS1 (regulating synaptic membrane exocytosis 1; plus strand). Cytogenetic location: 6q13.
Variant type: single nucleotide variant.
Coding change: c.2545-4T>C on transcript NM_014989.7 (MANE Select); 4 bases into the intron before coding-DNA position 2545, T replaced by C.
Molecular consequence: intron variant.
Genome position (GRCh38, 1-based): chr6:72,251,211, T>C. VCF-style: chr6-72251211-T-C. GRCh37 (hg19) VCF-style: chr6-72960914-T-C.
Other names: c.898-4T>C (NM_001350428.2, NM_001350459.2, NM_001350424.2 and 6 more transcripts); c.967-4T>C (NM_001350458.2, NM_001350433.2, NM_001350446.2 and 37 more transcripts); c.724-4T>C (NM_001350469.2, NM_001168409.2, NM_001350466.2 and 6 more transcripts); c.922-4T>C (NM_001350470.2, NM_001168410.2, NM_001350473.2 and 2 more transcripts).
Identifiers: ClinVar variation 908316 (VCV000908316.11), dbSNP rs747921988, ClinGen allele CA3885986.

ClinVar aggregate classification (germline): Conflicting classifications of pathogenicity. Review status: criteria provided, conflicting classifications (1 of 4 stars). 3 submissions from 3 submitters: Uncertain significance (1); Likely benign (1). 1 of the submissions does not count toward it. Last evaluated 2023-12-10.

Conditions:
RIMS1-related disorder. Also called: RIMS1-related condition.
Cone-rod dystrophy 7 (CORD7). Identifiers: Orphanet 1872, MedGen C1863634, MONDO:0011355, OMIM 603649.

Allele frequency attached by ClinVar (database versions not stated): gnomAD exomes 0.00003 and 0.00004; gnomAD 0.00001; TOPMed 0.00001; ExAC 0.00008.
gnomAD v4.1: 57 of 1,592,598 alleles (0.0036%); highest among the groups gnomAD compares: Non-Finnish European, 0.0046%; no homozygotes.

Submissions (3):

Labcorp Genetics (formerly Invitae), Labcorp
Classification: Likely benign. Last evaluated: 2023-12-10. Review status: criteria provided, single submitter. Criteria: Invitae Variant Classification Sherloc (09022015). Collection method: clinical testing. Allele origin: germline.

Illumina Laboratory Services, Illumina
Classification: Uncertain significance for Cone-rod dystrophy 7. Last evaluated: 2018-01-19. Review status: criteria provided, single submitter. Criteria: ICSL Variant Classification Criteria 13 December 2019. Collection method: clinical testing. Allele origin: germline.

PreventionGenetics, part of Exact Sciences
Classification: Likely benign for RIMS1-related condition. Last evaluated: 2020-07-30. Review status: no assertion criteria provided. Collection method: clinical testing. Allele origin: germline. Not counted in ClinVar's aggregate classification.
Comment: This variant is classified as likely benign based on ACMG/AMP sequence variant interpretation guidelines (Richards et al. 2015 PMID: 25741868, with internal and published modifications).